The following is an entry in ClinVar:

ClinVar aggregate classification (germline): Uncertain significance (1 of 4 stars; one submission).

gnomAD v4.1: 7 of 1,609,784 alleles (0.00043%); highest among the groups gnomAD compares: Admixed American, 0.012%; no homozygotes.

Submission:

Labcorp Genetics (formerly Invitae), Labcorp
Classification: Uncertain significance. Last evaluated: 2025-12-08. Review status: criteria provided, single submitter. Criteria: Invitae Variant Classification Sherloc (09022015). Collection method: clinical testing. Allele origin: germline.
Comment: This sequence change replaces proline, which is neutral and non-polar, with threonine, which is neutral and polar, at codon 459 of the PRPF4 protein (p.Pro459Thr). This variant is present in population databases (no rsID available, gnomAD no frequency). This missense change has been observed in individual(s) with retinitis pigmentosa (internal data). ClinVar contains an entry for this variant (Variation ID: 1495969). An algorithm developed to predict the effect of missense changes on protein structure and function (PolyPhen-2) suggests that this variant is likely to be tolerated. In summary, the available evidence is currently insufficient to determine the role of this variant in disease. Therefore, it has been classified as a Variant of Uncertain Significance.

NM_001244926.2(PRPF4):c.1372C>A (p.Pro458Thr)

Gene: PRPF4 (pre-mRNA splicing tri-snRNP complex factor PRPF4; plus strand). Cytogenetic location: 9q32.
Variant type: single nucleotide variant.
Coding change: c.1372C>A on transcript NM_001244926.2 (MANE Select); coding-DNA position 1372, C replaced by A.
Protein change: p.Pro458Thr; replaces proline 458 with threonine.
Molecular consequence: missense variant. On other transcripts: non-coding transcript variant (2).
Genome position (GRCh38, 1-based): chr9:113,291,016, C>A. VCF-style: chr9-113291016-C-A. GRCh37 (hg19) VCF-style: chr9-116053296-C-A.
Other names: c.646C>A, p.Pro216Thr (NM_001322266.2, NM_001322267.2); c.1375C>A, p.Pro459Thr (NM_004697.5); short protein forms P216T, P458T, P459T.
Identifiers: ClinVar variation 1495969 (VCV001495969.6), dbSNP rs768775315, ClinGen allele CA374556055.